The following is an entry in ClinVar:

NM_006393.3(NEBL):c.799-247A>G

Gene: NEBL (nebulette; minus strand). Cytogenetic location: 10p12.31.
Variant type: single nucleotide variant.
Coding change: c.799-247A>G on transcript NM_006393.3 (MANE Select); 247 bases into the intron before coding-DNA position 799, A replaced by G.
Molecular consequence: intron variant.
Genome position (GRCh38, 1-based): chr10:20,858,591, T>C on the plus strand (A>G on the coding strand, the complement: NEBL is on the minus strand). VCF-style: chr10-20858591-T-C. GRCh37 (hg19) VCF-style: chr10-21147520-T-C.
Other names: c.250-45651A>G (NM_001377326.1, NM_001377327.1, NM_001377328.1); c.358-45651A>G (NM_213569.2, NM_001173484.2, NM_001377322.1); c.301-45651A>G (NM_001377324.1); c.292-45651A>G (NM_001377325.1); c.310-45651A>G (NM_001377323.1).
Identifiers: ClinVar variation 678539 (VCV000678539.1), dbSNP rs1409272, ClinGen allele CA15638136.

ClinVar aggregate classification (germline): Benign (1 of 4 stars; one submission).

Allele frequency attached by ClinVar (database versions not stated): 1000 Genomes Project 30x 0.58323; 1000 Genomes Project 0.58726; TOPMed 0.64817; gnomAD 0.66571.
gnomAD v4.1: 100,972 of 151,994 alleles (66%); highest among the groups gnomAD compares: Non-Finnish European, 73%; 34,391 homozygotes.

Submission:

GeneDx
Classification: Benign. Last evaluated: 2018-06-14. Review status: criteria provided, single submitter. Criteria: GeneDx Variant Classification (06012015). Collection method: clinical testing. Allele origin: germline. Affected: yes.
Comment: This variant is considered likely benign or benign based on one or more of the following criteria: it is a conservative change, it occurs at a poorly conserved position in the protein, it is predicted to be benign by multiple in silico algorithms, and/or has population frequency not consistent with disease.